The following is an entry in ClinVar:

ClinVar aggregate classification (germline): Conflicting classifications of pathogenicity. Review status: criteria provided, conflicting classifications (1 of 4 stars). 2 submissions from 2 submitters: Uncertain significance (1); Benign (1). Last evaluated 2025-09-09.

Conditions:
Hereditary cancer-predisposing syndrome. Also called: Tumor predisposition; Hereditary Cancer Syndrome; Hereditary neoplastic syndrome; Neoplastic Syndromes, Hereditary. Identifiers: Orphanet 140162, MedGen C0027672, MeSH D009386, MONDO:0015356.
Familial adenomatous polyposis 2. Also called: FAP type 2; MUTYH Polyposis; COLORECTAL ADENOMATOUS POLYPOSIS, AUTOSOMAL RECESSIVE; ADENOMAS, MULTIPLE COLORECTAL, AUTOSOMAL RECESSIVE; MUTYH-associated polyposis; MUTYH-related attenuated familial adenomatous polyposis. Identifiers: Orphanet 220460, Orphanet 247798, MedGen C3272841, MONDO:0012041, OMIM 608456.

Submissions (2):

Ambry Genetics
Classification: Benign for Hereditary cancer-predisposing syndrome. Last evaluated: 2025-09-09. Review status: criteria provided, single submitter. Criteria: Ambry Variant Classification Scheme 2023. Collection method: clinical testing. Allele origin: germline.

Labcorp Genetics (formerly Invitae), Labcorp
Classification: Uncertain significance for Familial adenomatous polyposis 2. Last evaluated: 2020-03-02. Review status: criteria provided, single submitter. Criteria: Invitae Variant Classification Sherloc (09022015). Collection method: clinical testing. Allele origin: germline.
Comment: This sequence change replaces lysine with arginine at codon 38 of the MUTYH protein (p.Lys38Arg). The lysine residue is moderately conserved and there is a small physicochemical difference between lysine and arginine. In summary, the available evidence is currently insufficient to determine the role of this variant in disease. Therefore, it has been classified as a Variant of Uncertain Significance. Algorithms developed to predict the effect of missense changes on protein structure and function output the following: SIFT: "Tolerated"; PolyPhen-2: "Benign"; Align-GVGD: "Class C0". The arginine amino acid residue is found in multiple mammalian species, suggesting that this missense change does not adversely affect protein function. These predictions have not been confirmed by published functional studies and their clinical significance is uncertain. This variant has not been reported in the literature in individuals with MUTYH-related conditions. This variant is not present in population databases (ExAC no frequency).

Literature cited by the submitters: PubMed 40738107 (cited by Ambry Genetics).

NM_001048174.2(MUTYH):c.71A>G (p.Lys24Arg)

Gene: MUTYH (mutY DNA glycosylase; minus strand). Cytogenetic location: 1p34.1.
Variant type: single nucleotide variant.
Coding change: c.71A>G on transcript NM_001048174.2 (MANE Select); coding-DNA position 71, A replaced by G.
Protein change: p.Lys24Arg; replaces lysine 24 with arginine.
Molecular consequence: missense variant. On other transcripts: 5 prime UTR variant (4), non-coding transcript variant (2).
Genome position (GRCh38, 1-based): chr1:45,334,435, T>C on the plus strand (A>G on the coding strand, the complement: MUTYH is on the minus strand). VCF-style: chr1-45334435-T-C. GRCh37 (hg19) VCF-style: chr1-45800107-T-C.
Other names: c.71A>G, p.Lys24Arg (NM_001048171.2, NM_001048172.2, NM_001048173.2 and 2 more transcripts); c.113A>G, p.Lys38Arg (NM_001128425.2, NM_001293190.2, NM_012222.3); c.-142A>G (NM_001293192.2, NM_001293196.2); c.-201A>G (NM_001350650.2); c.-137A>G (NM_001350651.2); short protein forms K24R, K38R.
Identifiers: ClinVar variation 818420 (VCV000818420.14), dbSNP rs1570464856, ClinGen allele CA340137090.